The following is an entry in ClinVar:

NM_001142864.4(PIEZO1):c.5647C>T (p.Arg1883Trp)

Gene: PIEZO1 (piezo type mechanosensitive ion channel component 1 (Er blood group); minus strand). Cytogenetic location: 16q24.3.
Variant type: single nucleotide variant.
Coding change: c.5647C>T on transcript NM_001142864.4 (MANE Select); coding-DNA position 5647, C replaced by T.
Protein change: p.Arg1883Trp; replaces arginine 1883 with tryptophan.
Molecular consequence: missense variant.
Genome position (GRCh38, 1-based): chr16:88,721,187, G>A on the plus strand (C>T on the coding strand, the complement: PIEZO1 is on the minus strand). VCF-style: chr16-88721187-G-A. GRCh37 (hg19) VCF-style: chr16-88787595-G-A.
Other names: c.5647C>T (NM_001142864.3); short protein forms R1883W.
Identifiers: ClinVar variation 993760 (VCV000993760.18), dbSNP rs200031013, ClinGen allele CA8231827.

ClinVar aggregate classification (germline): Conflicting classifications of pathogenicity. Review status: criteria provided, conflicting classifications (1 of 4 stars). 6 submissions from 6 submitters: Uncertain significance (5); Benign (1). Last evaluated 2026-03-01.

Conditions:
PIEZO1-related disorder. Also called: PIEZO1-related condition; PIEZO1-Related Disorders.

Allele frequency attached by ClinVar (database versions not stated): TOPMed 0.00020; gnomAD 0.00029.

Submissions (6):

CeGaT Center for Human Genetics Tuebingen
Classification: Uncertain significance. Last evaluated: 2026-03-01. Review status: criteria provided, single submitter. Criteria: CeGaT Center For Human Genetics Tuebingen Variant Classification Criteria Version 2. Collection method: clinical testing. Allele origin: germline. Affected: yes. Observed: 1 variant allele.
Comment: PIEZO1: PM2:Supporting, BP4

PreventionGenetics, part of Exact Sciences
Classification: Uncertain significance for PIEZO1-related condition. Last evaluated: 2026-01-27. Review status: criteria provided, single submitter. Criteria: ACMG Guidelines, 2015. Collection method: clinical testing. Allele origin: germline.
Comment: The PIEZO1 c.5647C>T variant is predicted to result in the amino acid substitution p.Arg1883Trp. This variant has been reported in a cohort study with Ehler-Danlos syndrome (Table S17, Vandersteen et al. 2024. PubMed ID: 37813462). This variant is reported in 0.035% of alleles in individuals of European (Non-Finnish) descent in gnomAD. At this time, the clinical significance of this variant is uncertain due to the absence of conclusive functional and genetic evidence.

Revvity Omics, Revvity
Classification: Uncertain significance. Last evaluated: 2025-07-21. Review status: criteria provided, single submitter. Criteria: ACMG Guidelines, 2015. Collection method: clinical testing. Allele origin: germline.

Labcorp Genetics (formerly Invitae), Labcorp
Classification: Benign. Last evaluated: 2023-02-09. Review status: criteria provided, single submitter. Criteria: Invitae Variant Classification Sherloc (09022015). Collection method: clinical testing. Allele origin: germline.

GeneDx
Classification: Uncertain significance. Last evaluated: 2020-01-13. Review status: criteria provided, single submitter. Criteria: GeneDx Variant Classification Process June 2021. Collection method: clinical testing. Allele origin: germline. Affected: yes.
Comment: In silico analysis, which includes protein predictors and evolutionary conservation, supports that this variant does not alter protein structure/function; Has not been previously published as pathogenic or benign to our knowledge

ARUP Laboratories, Molecular Genetics and Genomics, ARUP Laboratories
Classification: Uncertain significance. Last evaluated: 2019-09-20. Review status: criteria provided, single submitter. Criteria: ARUP Molecular Germline Variant Investigation Process. Collection method: clinical testing. Allele origin: germline.